The following is an entry in ClinVar:

ClinVar aggregate classification (germline): Conflicting classifications of pathogenicity. Review status: criteria provided, conflicting classifications (1 of 4 stars). 3 submissions from 3 submitters: Likely pathogenic (1); Uncertain significance (2). Last evaluated 2024-06-19.

Conditions:
Joubert syndrome 15 (JBTS15). Identifiers: Orphanet 475, MedGen C3280897, MONDO:0013763, OMIM 614464.

Allele frequency attached by ClinVar (database versions not stated): ExAC 0.00001; gnomAD exomes 0.00001; TOPMed 0.00001.
gnomAD v4.1: 14 of 1,613,960 alleles (0.00087%); highest among the groups gnomAD compares: Admixed American, 0.005%; no homozygotes.

Submissions (3):

Fulgent Genetics
Classification: Likely pathogenic for Joubert syndrome 15. Last evaluated: 2024-06-19. Review status: criteria provided, single submitter. Criteria: ACMG Guidelines, 2015. Collection method: clinical testing. Allele origin: germline.

Labcorp Genetics (formerly Invitae), Labcorp
Classification: Uncertain significance for Joubert syndrome 15. Last evaluated: 2023-07-17. Review status: criteria provided, single submitter. Criteria: Invitae Variant Classification Sherloc (09022015). Collection method: clinical testing. Allele origin: germline.
Comment: This sequence change creates a premature translational stop signal (p.Arg326*) in the CEP41 gene. While this is not anticipated to result in nonsense mediated decay, it is expected to disrupt the last 48 amino acid(s) of the CEP41 protein. In summary, the available evidence is currently insufficient to determine the role of this variant in disease. Therefore, it has been classified as a Variant of Uncertain Significance. Experimental studies and prediction algorithms are not available or were not evaluated, and the functional significance of this variant is currently unknown. ClinVar contains an entry for this variant (Variation ID: 631996). This variant has not been reported in the literature in individuals affected with CEP41-related conditions. This variant is present in population databases (rs782286004, gnomAD 0.009%).

Blueprint Genetics
Classification: Uncertain significance. Last evaluated: 2022-06-24. Review status: criteria provided, single submitter. Criteria: ACMG Guidelines, 2015. Collection method: clinical testing. Allele origin: germline.

NM_018718.3(CEP41):c.976C>T (p.Arg326Ter)

Gene: CEP41 (centrosomal protein 41; minus strand). Cytogenetic location: 7q32.2.
Variant type: single nucleotide variant.
Coding change: c.976C>T on transcript NM_018718.3 (MANE Select); coding-DNA position 976, C replaced by T.
Protein change: p.Arg326Ter; replaces arginine 326 with a stop codon.
Molecular consequence: nonsense. On other transcripts: non-coding transcript variant (1).
Genome position (GRCh38, 1-based): chr7:130,399,037, G>A on the plus strand (C>T on the coding strand, the complement: CEP41 is on the minus strand). VCF-style: chr7-130399037-G-A. GRCh37 (hg19) VCF-style: chr7-130038878-G-A.
Other names: c.760C>T, p.Arg254Ter (NM_001257158.2); c.712C>T, p.Arg238Ter (NM_001257159.2); short protein forms R326*, R254*, R238*.
Identifiers: ClinVar variation 631996 (VCV000631996.12), dbSNP rs782286004, ClinGen allele CA4485417.